The following is an entry in ClinVar:

ClinVar aggregate classification (germline): Uncertain significance (1 of 4 stars; one submission).

gnomAD v4.1: 1 of 1,614,072 alleles (0.000062%); highest among the groups gnomAD compares: Non-Finnish European, 0.000085%; no homozygotes.

Submission:

Labcorp Genetics (formerly Invitae), Labcorp
Classification: Uncertain significance. Last evaluated: 2023-11-20. Review status: criteria provided, single submitter. Criteria: Invitae Variant Classification Sherloc (09022015). Collection method: clinical testing. Allele origin: germline.
Comment: This sequence change replaces lysine, which is basic and polar, with asparagine, which is neutral and polar, at codon 1023 of the PCDH15 protein (p.Lys1023Asn). This variant is not present in population databases (gnomAD no frequency). This variant has not been reported in the literature in individuals affected with PCDH15-related conditions. ClinVar contains an entry for this variant (Variation ID: 2102053). Advanced modeling of protein sequence and biophysical properties (such as structural, functional, and spatial information, amino acid conservation, physicochemical variation, residue mobility, and thermodynamic stability) performed at Invitae indicates that this missense variant is not expected to disrupt PCDH15 protein function with a negative predictive value of 80%. In summary, the available evidence is currently insufficient to determine the role of this variant in disease. Therefore, it has been classified as a Variant of Uncertain Significance.

NM_001384140.1(PCDH15):c.3069G>C (p.Lys1023Asn)

Gene: PCDH15 (protocadherin related 15; minus strand). Cytogenetic location: 10q21.1.
Variant type: single nucleotide variant.
Coding change: c.3069G>C on transcript NM_001384140.1 (MANE Select); coding-DNA position 3069, G replaced by C.
Protein change: p.Lys1023Asn; replaces lysine 1023 with asparagine.
Molecular consequence: missense variant.
Genome position (GRCh38, 1-based): chr10:53,959,785, C>G on the plus strand (G>C on the coding strand, the complement: PCDH15 is on the minus strand). VCF-style: chr10-53959785-C-G. GRCh37 (hg19) VCF-style: chr10-55719545-C-G.
Other names: c.3084G>C, p.Lys1028Asn (NM_001142763.2, NM_001142771.2); c.3069G>C, p.Lys1023Asn (NM_001142764.2, NM_001142766.2, NM_001142770.3 and 4 more transcripts); c.2856G>C, p.Lys952Asn (NM_001142765.2); c.2958G>C, p.Lys986Asn (NM_001142767.2); c.3003G>C, p.Lys1001Asn (NM_001142768.2, NM_001142773.2, NM_001354404.2); c.3105G>C, p.Lys1035Asn (NM_001142769.4); c.3090G>C, p.Lys1030Asn (NM_001354411.2); short protein forms K1023N, K1030N, K986N, K952N, K1001N, K1028N, K1035N.
Identifiers: ClinVar variation 2102053 (VCV002102053.4), dbSNP rs769983940, ClinGen allele CA376520962.